The following is an entry in ClinVar:

NM_001039141.3(TRIOBP):c.5212G>C (p.Ala1738Pro)

Gene: TRIOBP (TRIO and F-actin binding protein; plus strand). Cytogenetic location: 22q13.1.
Variant type: single nucleotide variant.
Coding change: c.5212G>C on transcript NM_001039141.3 (MANE Select); coding-DNA position 5212, G replaced by C.
Protein change: p.Ala1738Pro; replaces alanine 1738 with proline.
Molecular consequence: missense variant.
Genome position (GRCh38, 1-based): chr22:37,740,922, G>C. VCF-style: chr22-37740922-G-C. GRCh37 (hg19) VCF-style: chr22-38136929-G-C.
Other names: short protein forms A1738P.
Identifiers: ClinVar variation 4711974 (VCV004711974.1).

ClinVar aggregate classification (germline): Uncertain significance (1 of 4 stars; one submission).

Submission:

Labcorp Genetics (formerly Invitae), Labcorp
Classification: Uncertain significance. Last evaluated: 2025-11-10. Review status: criteria provided, single submitter. Criteria: Invitae Variant Classification Sherloc (09022015). Collection method: clinical testing. Allele origin: germline.
Comment: This sequence change replaces alanine, which is neutral and non-polar, with proline, which is neutral and non-polar, at codon 1738 of the TRIOBP protein (p.Ala1738Pro). This variant is not present in population databases (gnomAD no frequency). This variant has not been reported in the literature in individuals affected with TRIOBP-related conditions. An algorithm developed to predict the effect of missense changes on protein structure and function (PolyPhen-2) suggests that this variant is likely to be tolerated. In summary, the available evidence is currently insufficient to determine the role of this variant in disease. Therefore, it has been classified as a Variant of Uncertain Significance.